The following is an entry in ClinVar:

NM_000313.4(PROS1):c.2001A>G (p.Pro667=)

Gene: PROS1 (protein S; minus strand). Cytogenetic location: 3q11.1.
Variant type: single nucleotide variant.
Coding change: c.2001A>G on transcript NM_000313.4 (MANE Select); coding-DNA position 2001, A replaced by G.
Protein change: p.Pro667=; no amino-acid change (proline 667 retained).
Molecular consequence: synonymous variant.
Genome position (GRCh38, 1-based): chr3:93,874,275, T>C on the plus strand (A>G on the coding strand, the complement: PROS1 is on the minus strand). VCF-style: chr3-93874275-T-C. GRCh37 (hg19) VCF-style: chr3-93593119-T-C.
Other names: p.Pro667=; c.2097A>G, p.Pro699= (NM_001314077.2).
Identifiers: ClinVar variation 255811 (VCV000255811.27), dbSNP rs6123, ClinGen allele CA2503057.
Genomic context (GRCh38, chr3:93,874,275, plus strand): 5'-AAAAGGTATTATAAGCAGAGAAAAGATGCCTTAAGAATTCTTTGTCTTTTTCCAAACTGA[T>C]GGACATGAGTGAGCTCTAATATCATTATGTTTAGAAATGGCTTCATCCAGATCCAACTGT-3'
Protein context (NP_000304.2, residues 657-676): KHNDIRAHSC[Pro667=]SVWKKTKNS

ClinVar aggregate classification (germline): Benign. Review status: criteria provided, multiple submitters, no conflicts (2 of 4 stars). 11 submissions from 10 submitters: Benign (9). 2 of the submissions do not count toward it. Last evaluated 2026-02-04.

Conditions:
Thrombophilia due to protein S deficiency, autosomal recessive (THPH6). Identifiers: Orphanet 743, MedGen C3281092, MONDO:0013791, OMIM 614514. Disease mechanism: loss of function.
Thrombophilia due to protein S deficiency, autosomal dominant (THPH5). Identifiers: Orphanet 26349, Orphanet 743, MedGen C3278211, MONDO:0012868, OMIM 612336. Disease mechanism: loss of function.

Allele frequency attached by ClinVar (database versions not stated): ESP Exome Variant Server 0.32116; gnomAD 0.33781 and 0.34761; TOPMed 0.33991; 1000 Genomes Project 30x 0.37617; 1000 Genomes Project 0.38518; gnomAD exomes 0.41136 and 0.42746; ExAC 0.42683.
gnomAD v4.1: 653,048 of 1,613,070 alleles (40%); highest among the groups gnomAD compares: East Asian, 58%; 136,808 homozygotes.

Submissions (11):

Labcorp Genetics (formerly Invitae), Labcorp
Classification: Benign for Thrombophilia due to protein S deficiency, autosomal recessive. Last evaluated: 2026-02-04. Review status: criteria provided, single submitter. Criteria: Invitae Variant Classification Sherloc (09022015). Collection method: clinical testing. Allele origin: germline.

Mayo Clinic Laboratories, Mayo Clinic
Classification: Benign. Last evaluated: 2025-09-19. Review status: criteria provided, single submitter. Criteria: ACMG Guidelines, 2015. Collection method: clinical testing. Allele origin: germline. Observed: 252 variant alleles.

Blueprint Genetics
Classification: Benign. Last evaluated: 2024-11-26. Review status: criteria provided, single submitter. Criteria: ACMG Guidelines, 2015. Collection method: clinical testing. Allele origin: germline.

Genome-Nilou Lab
Classification: Benign for Thrombophilia due to protein S deficiency, autosomal dominant. Last evaluated: 2021-10-25. Review status: criteria provided, single submitter. Criteria: ACMG Guidelines, 2015. Collection method: clinical testing. Allele origin: germline. Affected: no.

Genome-Nilou Lab
Classification: Benign for Thrombophilia due to protein S deficiency, autosomal recessive. Last evaluated: 2021-10-25. Review status: criteria provided, single submitter. Criteria: ACMG Guidelines, 2015. Collection method: clinical testing. Allele origin: germline. Affected: no.

GeneDx
Classification: Benign. Last evaluated: 2018-07-09. Review status: criteria provided, single submitter. Criteria: GeneDx Variant Classification Process June 2021. Collection method: clinical testing. Allele origin: germline. Affected: yes.
Comment: This variant is associated with the following publications: (PMID: 10494768, 17157360)

Illumina Laboratory Services, Illumina
Classification: Benign for Thrombophilia due to protein S deficiency, autosomal dominant. Last evaluated: 2018-03-06. Review status: criteria provided, single submitter. Criteria: ICSL Variant Classification Criteria 13 December 2019. Collection method: clinical testing. Allele origin: germline.
Comment: This variant was observed in the ICSL laboratory as part of a predisposition screen in an ostensibly healthy population. It had not been previously curated by ICSL or reported in the Human Gene Mutation Database (HGMD: prior to June 1st, 2018), and was therefore a candidate for classification through an automated scoring system. Utilizing variant allele frequency, disease prevalence and penetrance estimates, and inheritance mode, an automated score was calculated to assess if this variant is too frequent to cause the disease. Based on the score and internal cut-off values, a variant classified as benign is not then subjected to further curation. The score for this variant resulted in a classification of benign for this disease.

Breakthrough Genomics
Classification: Benign. Review status: criteria provided, single submitter. Criteria: ACMG Guidelines, 2015. Collection method: not provided. Allele origin: germline. Inheritance: Autosomal recessive inheritance. Affected: yes.

PreventionGenetics, part of Exact Sciences
Classification: Benign. Review status: criteria provided, single submitter. Criteria: ACMG Guidelines, 2015. Collection method: clinical testing. Allele origin: germline.

Diagnostic Laboratory, Department of Genetics, University Medical Center Groningen
Classification: Benign. Review status: no assertion criteria provided. Collection method: clinical testing. Allele origin: germline. Affected: yes. Study: VKGL Data-share Consensus. Not counted in ClinVar's aggregate classification.

Joint Genome Diagnostic Labs from Nijmegen and Maastricht, Radboudumc and MUMC+
Classification: Benign. Review status: no assertion criteria provided. Collection method: clinical testing. Allele origin: germline. Affected: yes. Study: VKGL Data-share Consensus. Not counted in ClinVar's aggregate classification.